The following is an entry in ClinVar:

NM_000426.4(LAMA2):c.9101_9104dup (p.His3035fs)

Gene: LAMA2 (laminin subunit alpha 2; plus strand). Cytogenetic location: 6q22.33.
Variant type: Duplication.
Coding change: c.9101_9104dup on transcript NM_000426.4 (MANE Select); coding-DNA positions 9101 to 9104, 4 bases duplicated (AACA; older notation c.9101_9104dupAACA).
Protein change: p.His3035fs; shifts the reading frame from histidine 3035.
Molecular consequence: frameshift variant.
Genome position (GRCh38, 1-based): chr6:129,514,485-129,514,488, AACA duplicated; duplicating any 4 consecutive bases within chr6:129,514,483-129,514,488 gives the same sequence; the c. name uses the placement nearest the transcript's 3' end. VCF-style (leftmost placement, unchanged base first): chr6-129514482-T-TCAAA. GRCh37 (hg19) VCF-style: chr6-129835627-T-TCAAA.
Other names: c.9089_9092dup, p.His3031fs (NM_001079823.2); c.9101_9104dupAACA (NM_000426.3, NM_000426.4); short protein forms H3031fs, H3035fs.
Identifiers: ClinVar variation 92994 (VCV000092994.17), dbSNP rs398123390, ClinGen allele CA220819.

ClinVar aggregate classification (germline): Pathogenic. Review status: criteria provided, multiple submitters, no conflicts (2 of 4 stars). 5 submissions from 5 submitters: Pathogenic (5). Last evaluated 2024-10-10.

Conditions:
LAMA2-related muscular dystrophy (LAMA2-RD). Also called: Laminin alpha 2-related dystrophy. Identifiers: MedGen C5679788, MONDO:0100228.
Merosin deficient congenital muscular dystrophy (MDC1A). Also called: Congenital merosin-deficient muscular dystrophy 1A; Congenital Muscular Dystrophy Type 1A (MDC1A). Identifiers: Orphanet 258, MedGen C1263858, MONDO:0011925, OMIM 607855.

Submissions (5):

Women's Health and Genetics/Laboratory Corporation of America, LabCorp
Classification: Pathogenic for LAMA2-related muscular dystrophy. Last evaluated: 2024-10-10. Review status: criteria provided, single submitter. Criteria: LabCorp Variant Classification Summary - May 2015. Collection method: clinical testing. Allele origin: germline.
Comment: Variant summary: LAMA2 c.9101_9104dupAACA (p.His3035GlnfsX5) results in a premature termination codon, predicted to cause a truncation of the encoded protein or absence of the protein due to nonsense mediated decay, which are commonly known mechanisms for disease. The variant was absent in 251346 control chromosomes. c.9101_9104dupAACA has been reported in the literature in at-least one individual affected with congenital muscular dystrophy (example: Xiong_2015). The following publication has been ascertained in the context of this evaluation (PMID: 24611677). ClinVar contains an entry for this variant (Variation ID: 92994). Based on the evidence outlined above, the variant was classified as pathogenic.

Labcorp Genetics (formerly Invitae), Labcorp
Classification: Pathogenic for LAMA2-related muscular dystrophy. Last evaluated: 2024-05-21. Review status: criteria provided, single submitter. Criteria: Invitae Variant Classification Sherloc (09022015). Collection method: clinical testing. Allele origin: germline.
Comment: This sequence change creates a premature translational stop signal (p.His3035Glnfs*5) in the LAMA2 gene. It is expected to result in an absent or disrupted protein product. Loss-of-function variants in LAMA2 are known to be pathogenic (PMID: 18700894, 32904964). This variant is present in population databases (rs398123390, gnomAD 0.01%). This premature translational stop signal has been observed in individuals with muscular dystrophy (PMID: 9674786, 19294599, 24611677). ClinVar contains an entry for this variant (Variation ID: 92994). For these reasons, this variant has been classified as Pathogenic.

Baylor Genetics
Classification: Pathogenic for Merosin deficient congenital muscular dystrophy. Last evaluated: 2024-03-08. Review status: criteria provided, single submitter. Criteria: ACMG Guidelines, 2015. Collection method: clinical testing. Allele origin: unknown.

Athena Diagnostics
Classification: Pathogenic. Last evaluated: 2017-06-30. Review status: criteria provided, single submitter. Criteria: Athena Diagnostics Criteria. Collection method: clinical testing. Allele origin: germline.

Eurofins Ntd Llc (ga)
Classification: Pathogenic. Last evaluated: 2013-07-17. Review status: criteria provided, single submitter. Criteria: EGL Classification Definitions. Collection method: clinical testing. Allele origin: germline. Observed: 2 variant alleles, 2 heterozygotes.

Literature cited by the submitters: PubMed 24611677 (cited by 3 submitters); PubMed 18700894 (cited by Labcorp Genetics (formerly Invitae), Labcorp); PubMed 32904964 (cited by Labcorp Genetics (formerly Invitae), Labcorp); PubMed 9674786 (cited by 3 submitters); PubMed 19294599 (cited by Labcorp Genetics (formerly Invitae), Labcorp and Athena Diagnostics); PubMed 11369186 (cited by Athena Diagnostics and Eurofins Ntd Llc (ga)); PubMed 23757202 (cited by Eurofins Ntd Llc (ga)).